The following is an entry in ClinVar:

NM_020822.3(KCNT1):c.1479del (p.Lys493fs)

Gene: KCNT1 (potassium sodium-activated channel subfamily T member 1; plus strand). Cytogenetic location: 9q34.3.
Variant type: Deletion.
Coding change: c.1479del on transcript NM_020822.3 (MANE Select); coding-DNA position 1479, one base deleted (A; older notation c.1479delA).
Protein change: p.Lys493fs; shifts the reading frame from lysine 493.
Molecular consequence: frameshift variant.
Genome position (GRCh38, 1-based): chr9:135,768,906, A deleted; the last of 3 consecutive A bases (chr9:135,768,904-135,768,906); deleting any one gives the same sequence. VCF-style (leftmost placement, unchanged base first): chr9-135768903-CA-C. GRCh37 (hg19) VCF-style: chr9-138660749-CA-C.
Other names: c.1344del, p.Lys448fs (NM_001272003.2); short protein forms K448fs, K493fs.
Identifiers: ClinVar variation 4883877 (VCV004883877.2).

ClinVar aggregate classification (germline): Uncertain significance (1 of 4 stars; one submission).

Submission:

Dasa
Classification: Uncertain significance. Last evaluated: 2025-07-08. Review status: criteria provided, single submitter. Criteria: DASA Assertion Criteria. Collection method: clinical testing. Allele origin: germline.
Comment: NM_020822.3(KCNT1):c.1479del (p.Lys493Asnfs*27) is a frameshift variant in KCNT1 predicted to alter the reading frame and introduce a premature termination codon. This variant is absent from population databases. The currently available literature and clinical evidence are not sufficient to establish a definitive association between this variant and the reported condition. Therefore, this variant is classified as a variant of uncertain significance.